The following is an entry in ClinVar:

NM_020975.6(RET):c.1336G>C (p.Gly446Arg)

Gene: RET (ret proto-oncogene; plus strand). Cytogenetic location: 10q11.21.
Variant type: single nucleotide variant.
Coding change: c.1336G>C on transcript NM_020975.6 (MANE Select); coding-DNA position 1336, G replaced by C.
Protein change: p.Gly446Arg; replaces glycine 446 with arginine.
Molecular consequence: missense variant.
Genome position (GRCh38, 1-based): chr10:43,111,279, G>C. VCF-style: chr10-43111279-G-C. GRCh37 (hg19) VCF-style: chr10-43606727-G-C.
Other names: c.1336G>C, p.Gly446Arg (NM_000323.2, NM_001406743.1, NM_001406744.1 and 6 more transcripts); c.574G>C, p.Gly192Arg (NM_001355216.2); c.1207G>C, p.Gly403Arg (NM_001406761.1, NM_001406762.1, NM_001406764.1 and 1 more transcripts); c.811G>C, p.Gly271Arg (NM_001406774.1); c.610G>C, p.Gly204Arg (NM_001406775.1, NM_001406776.1, NM_001406777.1 and 1 more transcripts); c.346G>C, p.Gly116Arg (NM_001406784.1); c.1048G>C, p.Gly350Arg (NM_001406766.1, NM_001406767.1, NM_001406770.1); c.940G>C, p.Gly314Arg (NM_001406769.1, NM_001406772.1); and 1 more; short protein forms G446R, G192R, G116R, G204R, G314R, G271R, G403R, G300R.
Identifiers: ClinVar variation 135187 (VCV000135187.42), dbSNP rs115423919, ClinGen allele CA007531.

ClinVar aggregate classification (germline): Benign/Likely benign. Review status: criteria provided, multiple submitters, no conflicts (2 of 4 stars). 24 submissions from 20 submitters: Benign (14); Likely benign (7). 3 of the submissions do not count toward it. Last evaluated 2026-05-01.

Conditions:
Pheochromocytoma. Also called: MAX-Related Hereditary Paraganglioma-Pheochromocytoma Syndrome. Identifiers: Orphanet 29072, MedGen C0031511, MONDO:0008233, OMIM 171300, HP:0002666.
Hirschsprung disease, susceptibility to, 1 (HSCR1). Also called: RET-Related Hirschsprung Disease. Identifiers: Orphanet 388, MedGen C3888239, MONDO:0007723, OMIM 142623.
Familial medullary thyroid carcinoma (MTC). Also called: Thyroid cancer, familial medullary; MTC, familial; Familial Medullary Thyroid Carcinoma (FMTC). Identifiers: Orphanet 653, Orphanet 99361, MedGen C1833921, MONDO:0007958, OMIM 155240.
Multiple endocrine neoplasia type 2B. Also called: MEN IIB; NEUROMATA, MUCOSAL, WITH ENDOCRINE TUMORS; WAGENMANN-FROBOESE SYNDROME; MULTIPLE ENDOCRINE NEOPLASIA, TYPE III; MULTIPLE ENDOCRINE NEOPLASIA, TYPE IIB; MEN 2B. Identifiers: Orphanet 247709, Orphanet 653, MedGen C0025269, MeSH D018814, MONDO:0008082, OMIM 162300.
Multiple endocrine neoplasia type 2A. Also called: Multiple Endocrine Neoplasia Type 2A (MEN2A); MULTIPLE ENDOCRINE NEOPLASIA, TYPE IIA; PTC SYNDROME; SIPPLE SYNDROME; MEN 2A; MEN-2A syndrome. Identifiers: Orphanet 247698, Orphanet 653, MedGen C0025268, MeSH D018813, MONDO:0008234, OMIM 171400.
Hereditary cancer-predisposing syndrome. Also called: Tumor predisposition; Hereditary neoplastic syndrome; Hereditary Cancer Syndrome; Neoplastic Syndromes, Hereditary. Identifiers: Orphanet 140162, MedGen C0027672, MeSH D009386, MONDO:0015356.
Multiple endocrine neoplasia. Identifiers: Orphanet 276161, MedGen C0027662, MONDO:0017169.
Multiple endocrine neoplasia, type 2 (MEN2). Identifiers: Orphanet 653, MedGen C4048306, MONDO:0019003. Disease mechanism: gain of function.
Renal hypodysplasia/aplasia 1 (RHDA1). Also called: RENAL APLASIA; HEREDITARY RENAL APLASIA. Identifiers: Orphanet 411709, MedGen C1619700, MONDO:0024519, OMIM 191830.

Allele frequency attached by ClinVar (database versions not stated): TOPMed 0.00257; 1000 Genomes Project 0.00160; 1000 Genomes Project 30x 0.00234; ESP Exome Variant Server 0.00246; ExAC 0.00073; gnomAD 0.00221 and 0.00238.
gnomAD v4.1: 714 of 1,614,172 alleles (0.044%); highest among the groups gnomAD compares: African/African-American, 0.84%; 2 homozygotes.

Submissions (24):

CeGaT Center for Human Genetics Tuebingen
Classification: Likely benign. Last evaluated: 2026-05-01. Review status: criteria provided, single submitter. Criteria: CeGaT Center For Human Genetics Tuebingen Variant Classification Criteria Version 2. Collection method: clinical testing. Allele origin: germline. Affected: yes. Observed: 1 variant allele.
Comment: RET: BP4, BS1

Labcorp Genetics (formerly Invitae), Labcorp
Classification: Benign for Multiple endocrine neoplasia, type 2. Last evaluated: 2026-02-04. Review status: criteria provided, single submitter. Criteria: Invitae Variant Classification Sherloc (09022015). Collection method: clinical testing. Allele origin: germline.

Department of Pathology and Laboratory Medicine, Sinai Health System
Classification: Benign for Hirschsprung disease, susceptibility to, 1; Familial medullary thyroid carcinoma; Multiple endocrine neoplasia type 2B; Pheochromocytoma; Multiple endocrine neoplasia type 2A. Last evaluated: 2025-01-14. Review status: criteria provided, single submitter. Criteria: ACMG Guidelines, 2015. Collection method: clinical testing. Allele origin: germline.

Dasa
Classification: Likely benign. Last evaluated: 2024-12-14. Review status: criteria provided, single submitter. Criteria: DASA Assertion Criteria. Collection method: clinical testing. Allele origin: germline.
Comment: NM_020975.6(RET):c.1336G>C (p.Gly446Arg) is a missense variant that results in the substitution of glycine with arginine. Population frequency is inconsistent with a disease-causing role for this variant. Computational prediction algorithms are consistent with a benign effect. Therefore, based on the currently available evidence, this variant is classified as likely benign.

Blueprint Genetics
Classification: Likely benign. Last evaluated: 2024-10-08. Review status: criteria provided, single submitter. Criteria: ACMG Guidelines, 2015. Collection method: clinical testing. Allele origin: germline.

KCCC/NGS Laboratory, Kuwait Cancer Control Center
Classification: Benign for Multiple endocrine neoplasia type 2B. Last evaluated: 2023-07-07. Review status: criteria provided, single submitter. Criteria: ACMG Guidelines, 2015. Collection method: clinical testing. Allele origin: germline. Affected: yes.

Color Diagnostics, LLC DBA Color Health
Classification: Benign for Multiple endocrine neoplasia, type 2. Last evaluated: 2022-11-17. Review status: criteria provided, single submitter. Criteria: ACMG Guidelines, 2015. Collection method: clinical testing. Allele origin: germline.

Sema4
Classification: Benign for Hereditary cancer-predisposing syndrome. Last evaluated: 2020-12-18. Review status: criteria provided, single submitter. Criteria: Sema4 Curation Guidelines. Collection method: curation. Allele origin: germline.

Women's Health and Genetics/Laboratory Corporation of America, LabCorp
Classification: Benign. Last evaluated: 2020-02-26. Review status: criteria provided, single submitter. Criteria: LabCorp Variant Classification Summary - May 2015. Collection method: clinical testing. Allele origin: germline.
Comment: Variant summary: RET c.1336G>C (p.Gly446Arg) results in a non-conservative amino acid change located in the RET cadherin-like domain 4 (IPR041317) of the encoded protein sequence. Four of five in-silico tools predict a benign effect of the variant on protein function. The variant allele was found at a frequency of 0.0008 in 282840 control chromosomes, predominantly at a frequency of 0.0083 within the African or African-American subpopulation in the gnomAD database, including 1 homozygote. The observed variant frequency within African or African-American control individuals in the gnomAD database is approximately 200 fold of the estimated maximal expected allele frequency for a pathogenic variant in RET causing Multiple Endocrine Neoplasia Type 2 phenotype (3.7e-05), strongly suggesting that the variant is a benign polymorphism found primarily in populations of African or African-American origin. Eight clinical diagnostic laboratories have submitted clinical-significance assessments for this variant to ClinVar after 2014, and all of them classified the variant as benign (4x) / likely benign (4x). Based on the evidence outlined above, the variant was classified as benign.

Athena Diagnostics
Classification: Benign. Last evaluated: 2018-05-03. Review status: criteria provided, single submitter. Criteria: Athena Diagnostics Criteria. Collection method: clinical testing. Allele origin: germline.

Quest Diagnostics Nichols Institute San Juan Capistrano
Classification: Benign. Last evaluated: 2018-05-03. Review status: criteria provided, single submitter. Criteria: Quest Diagnostics criteria. Collection method: clinical testing. Allele origin: unknown.

Illumina Laboratory Services, Illumina
Classification: Benign for Hirschsprung disease, susceptibility to, 1. Last evaluated: 2018-01-13. Review status: criteria provided, single submitter. Criteria: ICSL Variant Classification Criteria 13 December 2019. Collection method: clinical testing. Allele origin: germline.
Comment: This variant was observed in the ICSL laboratory as part of a predisposition screen in an ostensibly healthy population. It had not been previously curated by ICSL or reported in the Human Gene Mutation Database (HGMD: prior to June 1st, 2018), and was therefore a candidate for classification through an automated scoring system. Utilizing variant allele frequency, disease prevalence and penetrance estimates, and inheritance mode, an automated score was calculated to assess if this variant is too frequent to cause the disease. Based on the score and internal cut-off values, a variant classified as benign is not then subjected to further curation. The score for this variant resulted in a classification of benign for this disease.

Illumina Laboratory Services, Illumina
Classification: Benign for Pheochromocytoma. Last evaluated: 2018-01-13. Review status: criteria provided, single submitter. Criteria: ICSL Variant Classification Criteria 13 December 2019. Collection method: clinical testing. Allele origin: germline.
Comment: the same text as in the submission from Illumina Laboratory Services, Illumina above.

Illumina Laboratory Services, Illumina
Classification: Likely benign for Renal hypodysplasia/aplasia 1. Last evaluated: 2018-01-13. Review status: criteria provided, single submitter. Criteria: ICSL Variant Classification Criteria 13 December 2019. Collection method: clinical testing. Allele origin: germline.
Comment: This variant was observed in the ICSL laboratory as part of a predisposition screen in an ostensibly healthy population. It had not been previously curated by ICSL or reported in the Human Gene Mutation Database (HGMD: prior to June 1st, 2018), and was therefore a candidate for classification through an automated scoring system. Utilizing variant allele frequency, disease prevalence and penetrance estimates, and inheritance mode, an automated score was calculated to assess if this variant is too frequent to cause the disease. Based on the score and internal cut-off values, a variant classified as likely benign is not then subjected to further curation. The score for this variant resulted in a classification of likely benign for this disease.

Illumina Laboratory Services, Illumina
Classification: Benign for Multiple endocrine neoplasia. Last evaluated: 2018-01-13. Review status: criteria provided, single submitter. Criteria: ICSL Variant Classification Criteria 13 December 2019. Collection method: clinical testing. Allele origin: germline.
Comment: the same text as in the submission from Illumina Laboratory Services, Illumina above.

GeneDx
Classification: Likely benign. Last evaluated: 2017-10-03. Review status: criteria provided, single submitter. Criteria: GeneDx Variant Classification (06012015). Collection method: clinical testing. Allele origin: germline. Affected: yes.
Comment: This variant is considered likely benign or benign based on one or more of the following criteria: it is a conservative change, it occurs at a poorly conserved position in the protein, it is predicted to be benign by multiple in silico algorithms, and/or has population frequency not consistent with disease.

Laboratory for Molecular Medicine, Mass General Brigham Personalized Medicine
Classification: Likely benign. Last evaluated: 2016-12-14. Review status: criteria provided, single submitter. Criteria: LMM Criteria. Collection method: clinical testing. Allele origin: germline. Observed: 1 variant allele.
Comment: p.Gly446Arg in exon 7 of RET: This variant is not expected to have clinical sign ificance because it has been identified in 0.8% (87/10400) of African chromosome s by the Exome Aggregation Consortium (ExAC; dbS NP rs115423919).

Eurofins Ntd Llc (ga)
Classification: Benign. Last evaluated: 2015-02-20. Review status: criteria provided, single submitter. Criteria: EGL Classification Definitions 2015. Collection method: clinical testing. Allele origin: germline. Observed: 1 variant allele, 1 heterozygote.

Ambry Genetics
Classification: Benign for Hereditary cancer-predisposing syndrome. Last evaluated: 2014-12-23. Review status: criteria provided, single submitter. Criteria: Ambry Variant Classification Scheme 2023. Collection method: clinical testing. Allele origin: germline.

Breakthrough Genomics
Classification: Likely benign. Review status: criteria provided, single submitter. Criteria: ACMG Guidelines, 2015. Collection method: not provided. Allele origin: germline. Inheritance: Autosomal dominant inheritance. Affected: yes.

PreventionGenetics, part of Exact Sciences
Classification: Benign. Review status: criteria provided, single submitter. Criteria: ACMG Guidelines, 2015. Collection method: clinical testing. Allele origin: germline.

Counsyl
Classification: Likely benign for Multiple endocrine neoplasia type 2B. Last evaluated: 2015-12-22. Review status: no assertion criteria provided. Collection method: clinical testing. Allele origin: unknown. Not counted in ClinVar's aggregate classification.

Counsyl
Classification: Likely benign for Multiple endocrine neoplasia type 2A. Last evaluated: 2015-12-22. Review status: no assertion criteria provided. Collection method: clinical testing. Allele origin: unknown. Not counted in ClinVar's aggregate classification.

ITMI
No classification provided. Condition: AllHighlyPenetrant. Last evaluated: 2013-09-19. Review status: no classification provided. Collection method: reference population. Allele origin: germline. Not counted in ClinVar's aggregate classification.
Comment: Please see associated publication for description of ethnicities

Literature cited by the submitters: PubMed 22648184 (cited by 3 submitters); PubMed 24728327 (cited by 4 submitters).